The following is an entry in ClinVar:

ClinVar aggregate classification (germline): Pathogenic/Likely pathogenic. Review status: criteria provided, multiple submitters, no conflicts (2 of 4 stars). 3 submissions from 3 submitters: Pathogenic (1); Likely pathogenic (2). Last evaluated 2023-05-10.

Conditions:
Hereditary cancer-predisposing syndrome. Also called: Hereditary Cancer Syndrome; Hereditary neoplastic syndrome; Neoplastic Syndromes, Hereditary; Tumor predisposition. Identifiers: Orphanet 140162, MedGen C0027672, MeSH D009386, MONDO:0015356.
APC-related disorder. Also called: APC-related condition.
Familial adenomatous polyposis 1 (FAP1). Also called: FAMILIAL ADENOMATOUS POLYPOSIS 1, ATTENUATED; POLYPOSIS, ADENOMATOUS INTESTINAL. Identifiers: MedGen C2713442, MONDO:0021056, OMIM 175100. Disease mechanism: loss of function.

Submissions (3):

Myriad Genetics, Inc.
Classification: Pathogenic for Familial adenomatous polyposis 1. Last evaluated: 2023-05-10. Review status: criteria provided, single submitter. Criteria: Myriad Autosomal Dominant, Autosomal Recessive and X-Linked Classification Criteria (2023). Collection method: clinical testing. Allele origin: unknown.
Comment: This variant is considered pathogenic. This variant creates a frameshift predicted to result in premature protein truncation.

PreventionGenetics, part of Exact Sciences
Classification: Likely pathogenic for APC-related condition. Last evaluated: 2023-03-15. Review status: criteria provided, single submitter. Criteria: ACMG Guidelines, 2015. Collection method: clinical testing. Allele origin: germline.
Comment: The APC c.4373_4380del8 variant is predicted to result in a frameshift and premature protein termination (p.Pro1458Argfs*8). To our knowledge, this variant has not been reported in the literature or in a large population database, indicating this variant is rare. Frameshift variants in APC are expected to be pathogenic. It is interpreted as likely pathogenic in ClinVar. This variant is interpreted as likely pathogenic.

Ambry Genetics
Classification: Likely pathogenic for Hereditary cancer-predisposing syndrome. Last evaluated: 2022-09-27. Review status: criteria provided, single submitter. Criteria: Ambry Variant Classification Scheme 2023. Collection method: clinical testing. Allele origin: germline.
Comment: The c.4373_4380delCTACTGCT variant, located in coding exon 15 of the APC gene, results from a deletion of 8 nucleotides at nucleotide positions 4373 to 4380, causing a translational frameshift with a predicted alternate stop codon (p.P1458Rfs*8). This variant is considered to be rare based on population cohorts in the Genome Aggregation Database (gnomAD). This alteration is expected to result in loss of function by premature protein truncation or nonsense-mediated mRNA decay. As such, this alteration is interpreted as a disease-causing mutation.

NM_000038.6(APC):c.4373_4380del (p.Pro1458fs)

Gene: APC (APC regulator of Wnt signaling pathway; plus strand). Cytogenetic location: 5q22.2.
Variant type: Deletion.
Coding change: c.4373_4380del on transcript NM_000038.6 (MANE Select); coding-DNA positions 4373 to 4380, 8 bases deleted (CTACTGCT; older notation c.4373_4380delCTACTGCT).
Protein change: p.Pro1458fs; shifts the reading frame from proline 1458.
Molecular consequence: frameshift variant.
Genome position (GRCh38, 1-based): chr5:112,839,967-112,839,974, CTACTGCT deleted. VCF-style (leftmost placement, unchanged base first): chr5-112839966-CCTACTGCT-C. GRCh37 (hg19) VCF-style: chr5-112175663-CCTACTGCT-C.
Other names: c.4373_4380del, p.Pro1458fs (NM_001127510.3, NM_001354895.2); c.4319_4326del, p.Pro1440fs (NM_001127511.3); c.4427_4434del, p.Pro1476fs (NM_001354896.2); c.4403_4410del, p.Pro1468fs (NM_001354897.2); c.4298_4305del, p.Pro1433fs (NM_001354898.2); c.4289_4296del, p.Pro1430fs (NM_001354899.2); c.4250_4257del, p.Pro1417fs (NM_001354900.2); c.4196_4203del, p.Pro1399fs (NM_001354901.2); and 17 more; short protein forms P1332fs, P1433fs, P1458fs, P1357fs, P1367fs, P1399fs, P1468fs, P1298fs.
Identifiers: ClinVar variation 1740102 (VCV001740102.5), dbSNP rs2533570013, ClinGen allele CA2580072495.